The following is an entry in ClinVar:

ClinVar aggregate classification (germline): Likely pathogenic. Review status: criteria provided, multiple submitters, no conflicts (2 of 4 stars). 2 submissions from 2 submitters: Likely pathogenic (2). Last evaluated 2019-05-28.

Conditions:
Developmental and epileptic encephalopathy, 2 (DEE2). Also called: INFANTILE SPASM SYNDROME, X-LINKED 2; CDKL5 deficiency disorder. Identifiers: Orphanet 1934, Orphanet 3451, Orphanet 505652, MedGen C4750718, MONDO:0010396, OMIM 300672.

Submissions (2):

Mendelics
Classification: Likely pathogenic for Developmental and epileptic encephalopathy, 2. Last evaluated: 2019-05-28. Review status: criteria provided, single submitter. Criteria: Mendelics Assertion Criteria 2017. Collection method: clinical testing. Allele origin: unknown.

GeneDx
Classification: Likely pathogenic. Last evaluated: 2014-12-29. Review status: criteria provided, single submitter. Criteria: GeneDx Variant Classification (06012015). Collection method: clinical testing. Allele origin: germline. Affected: yes.
Comment: A novel L201P variant that is likely pathogenic has been identified in the CDKL5 gene. The L201P variant has not been published as pathogenic, nor has it been reported as a benign polymorphism to our knowledge. It was not observed in approximately 6,500 individuals of European and African American ancestry in an external variant database, indicating it is not a common benign variant in these populations. It is a semi-conservative amino acid substitution, which may impact secondary protein structure as these residues differ in some properties. This substitution occurs at a position that is conserved across species, and in silico analysis predicts that L201P is probably damaging to the protein structure/function. Missense variants in nearby residues have been reported in the Human Gene Mutation Database in association with CDKL5-related disorders (Stenson et al., 2014). Therefore, this is a strong candidate for a pathogenic variant, however the possibility that it is a benign variant cannot be excluded.

NM_001323289.2(CDKL5):c.602T>C (p.Leu201Pro)

Gene: CDKL5 (cyclin dependent kinase like 5; plus strand). Cytogenetic location: Xp22.13.
Variant type: single nucleotide variant.
Coding change: c.602T>C on transcript NM_001323289.2 (MANE Select); coding-DNA position 602, T replaced by C.
Protein change: p.Leu201Pro; replaces leucine 201 with proline.
Molecular consequence: missense variant.
Genome position (GRCh38, 1-based): chrX:18,588,001, T>C. VCF-style: chrX-18588001-T-C. GRCh37 (hg19) VCF-style: chrX-18606121-T-C.
Other names: p.L201P:CTT>CCT; c.602T>C, p.Leu201Pro (NM_001037343.2, NM_003159.3); short protein forms L201P.
Identifiers: ClinVar variation 156606 (VCV000156606.3), dbSNP rs587783087, ClinGen allele CA294608.